The following is an entry in ClinVar:

NC_000019.9:g.(?_3770728)_(3770840_?)del

Gene: RAX2 (retina and anterior neural fold homeobox 2; minus strand). Cytogenetic location: 19p13.3.
Variant type: Deletion.
Identifiers: ClinVar variation 1448773 (VCV001448773.1).

ClinVar aggregate classification (germline): Uncertain significance (1 of 4 stars; one submission).

Submission:

Labcorp Genetics (formerly Invitae), Labcorp
Classification: Uncertain significance. Last evaluated: 2021-09-14. Review status: criteria provided, single submitter. Criteria: Invitae Variant Classification Sherloc (09022015). Collection method: clinical testing. Allele origin: germline.
Comment: This variant, c.334_446delinsGGGCGGGC, is a complex sequence change that results in the deletion of 38 and insertion of 3 amino acid(s) in the RAX2 protein (p.Pro112_His149delinsGlyArgAla). The frequency data for this variant in the population databases is not available, as this variant may be reported as separate entries in the ExAC database. This variant has not been reported in the literature in individuals affected with RAX2-related conditions. Experimental studies and prediction algorithms are not available or were not evaluated, and the functional significance of this variant is currently unknown. In summary, the available evidence is currently insufficient to determine the role of this variant in disease. Therefore, it has been classified as a Variant of Uncertain Significance.